The following is an entry in ClinVar:

ClinVar aggregate classification (germline): Uncertain significance (1 of 4 stars; one submission).

Allele frequency attached by ClinVar (database versions not stated): TOPMed below 0.00001.

Submission:

GeneDx
Classification: Uncertain significance. Last evaluated: 2026-02-08. Review status: criteria provided, single submitter. Criteria: GeneDx Variant Classification Process June 2021. Collection method: clinical testing. Allele origin: germline. Affected: yes.
Comment: Not observed at significant frequency in large population cohorts (gnomAD); In silico analysis suggests that this missense variant does not alter protein structure/function; Has not been previously published as pathogenic or benign to our knowledge

NM_001352027.3(PHF21A):c.571G>A (p.Ala191Thr)

Gene: PHF21A (PHD finger protein 21A; minus strand). Cytogenetic location: 11p11.2.
Variant type: single nucleotide variant.
Coding change: c.571G>A on transcript NM_001352027.3 (MANE Select); coding-DNA position 571, G replaced by A.
Protein change: p.Ala191Thr; replaces alanine 191 with threonine.
Molecular consequence: missense variant. On other transcripts: non-coding transcript variant (2).
Genome position (GRCh38, 1-based): chr11:45,971,157, C>T on the plus strand (G>A on the coding strand, the complement: PHF21A is on the minus strand). VCF-style: chr11-45971157-C-T. GRCh37 (hg19) VCF-style: chr11-45992708-C-T.
Other names: c.571G>A, p.Ala191Thr (NM_001101802.3, NM_001352025.3, NM_001352026.3 and 5 more transcripts); c.568G>A, p.Ala190Thr (NM_001352030.3); short protein forms A190T, A191T.
Identifiers: ClinVar variation 2446661 (VCV002446661.3), dbSNP rs1394546708, ClinGen allele CA380209065.